The following is an entry in ClinVar:

NM_006329.4(FBLN5):c.245_256del (p.Asn82_Ser85del)

Gene: FBLN5 (fibulin 5; minus strand). Cytogenetic location: 14q32.12.
Variant type: Deletion.
Coding change: c.245_256del on transcript NM_006329.4 (MANE Select); coding-DNA positions 245 to 256, 12 bases deleted (ACCCCTACTCGA).
Protein change: p.Asn82_Ser85del.
Molecular consequence: inframe deletion.
Genome position (GRCh38, 1-based): chr14:91,937,070-91,937,081, TCGAGTAGGGGT deleted on the plus strand (ACCCCTACTCGA on the coding strand, the reverse complement: FBLN5 is on the minus strand); deleting any 12 consecutive bases within chr14:91,937,070-91,937,091 gives the same sequence; the c. name uses the placement nearest the transcript's 3' end. VCF-style (leftmost placement, unchanged base first): chr14-91937069-GTCGAGTAGGGGT-G. GRCh37 (hg19) VCF-style: chr14-92403413-GTCGAGTAGGGGT-G.
Other names: c.368_379del, p.Asn123_Ser126del (NM_001384158.1); c.296_307del, p.Asn99_Ser102del (NM_001384159.1); c.245_256del, p.Asn82_Ser85del (NM_001384160.1); c.77_88del, p.Asn26_Ser29del (NM_001384161.1, NM_001384162.1).
Identifiers: ClinVar variation 1424956 (VCV001424956.32), dbSNP rs752657971, ClinGen allele CA7312899.

ClinVar aggregate classification (germline): Conflicting classifications of pathogenicity. Review status: criteria provided, conflicting classifications (1 of 4 stars). 3 submissions from 3 submitters: Uncertain significance (2); Likely benign (1). Last evaluated 2025-12-22.

Submissions (3):

Labcorp Genetics (formerly Invitae), Labcorp
Classification: Uncertain significance. Last evaluated: 2025-12-22. Review status: criteria provided, single submitter. Criteria: Invitae Variant Classification Sherloc (09022015). Collection method: clinical testing. Allele origin: germline.
Comment: This variant, c.245_256del, results in the deletion of 4 amino acid(s) of the FBLN5 protein (p.Asn82_Ser85del), but otherwise preserves the integrity of the reading frame. This variant is present in population databases (rs752657971, gnomAD 0.006%). This variant has not been reported in the literature in individuals affected with FBLN5-related conditions. ClinVar contains an entry for this variant (Variation ID: 1424956). Experimental studies and prediction algorithms are not available or were not evaluated, and the functional significance of this variant is currently unknown. In summary, the available evidence is currently insufficient to determine the role of this variant in disease. Therefore, it has been classified as a Variant of Uncertain Significance.

Laboratory of Genetics, Children's Clinical University Hospital Latvia
Classification: Likely benign. Last evaluated: 2025-02-16. Review status: criteria provided, single submitter. Criteria: ACMG Guidelines, 2015. Collection method: clinical testing. Allele origin: germline. Affected: yes.

CeGaT Center for Human Genetics Tuebingen
Classification: Uncertain significance. Last evaluated: 2022-12-01. Review status: criteria provided, single submitter. Criteria: CeGaT Center For Human Genetics Tuebingen Variant Classification Criteria Version 2. Collection method: clinical testing. Allele origin: germline. Affected: yes. Observed: 1 variant allele.
Comment: FBLN5: PM2